The following is an entry in ClinVar:

NM_005534.4(IFNGR2):c.1007C>G (p.Thr336Arg)

Genes: IFNGR2 (interferon gamma receptor 2; plus strand), TMEM50B (transmembrane protein 50B; minus strand). Cytogenetic location: 21q22.11.
Variant type: single nucleotide variant.
Coding change: c.1007C>G on transcript NM_005534.4 (MANE Select); coding-DNA position 1007, C replaced by G.
Protein change: p.Thr336Arg; replaces threonine 336 with arginine.
Molecular consequence: missense variant.
Genome position (GRCh38, 1-based): chr21:33,436,955, C>G. VCF-style: chr21-33436955-C-G. GRCh37 (hg19) VCF-style: chr21-34809262-C-G.
Other names: c.1064C>G, p.Thr355Arg (NM_001329128.2); short protein forms T336R, T355R.
Identifiers: ClinVar variation 664258 (VCV000664258.11), dbSNP rs763384272, ClinGen allele CA320128485.

ClinVar aggregate classification (germline): Uncertain significance (1 of 4 stars; one submission).

Conditions:
Immunodeficiency 28 (IMD28). Also called: IFNGR2 DEFICIENCY. Identifiers: Orphanet 319547, Orphanet 319574, MedGen C4013947, MONDO:0013953, OMIM 614889.

Allele frequency attached by ClinVar (database versions not stated): TOPMed 0.00001.
gnomAD v4.1: 8 of 1,613,844 alleles (0.0005%); highest among the groups gnomAD compares: Non-Finnish European, 0.00042%; no homozygotes.

Submission:

Labcorp Genetics (formerly Invitae), Labcorp
Classification: Uncertain significance for Immunodeficiency 28. Last evaluated: 2025-12-06. Review status: criteria provided, single submitter. Criteria: Invitae Variant Classification Sherloc (09022015). Collection method: clinical testing. Allele origin: germline.
Comment: This sequence change replaces threonine, which is neutral and polar, with arginine, which is basic and polar, at codon 336 of the IFNGR2 protein (p.Thr336Arg). This variant is present in population databases (no rsID available, gnomAD 0.003%). This variant has not been reported in the literature in individuals affected with IFNGR2-related conditions. ClinVar contains an entry for this variant (Variation ID: 664258). An algorithm developed to predict the effect of missense changes on protein structure and function outputs the following: PolyPhen-2: "Possibly Damaging". The arginine amino acid residue is found in multiple mammalian species, which suggests that this missense change does not adversely affect protein function. In summary, the available evidence is currently insufficient to determine the role of this variant in disease. Therefore, it has been classified as a Variant of Uncertain Significance.